The following is an entry in ClinVar:

ClinVar aggregate classification (germline): Likely benign (1 of 4 stars; one submission).

gnomAD v4.1: 3 of 1,548,928 alleles (0.00019%); highest among the groups gnomAD compares: Admixed American, 0.002%; no homozygotes.

Submission:

CeGaT Center for Human Genetics Tuebingen
Classification: Likely benign. Last evaluated: 2025-10-01. Review status: criteria provided, single submitter. Criteria: CeGaT Center For Human Genetics Tuebingen Variant Classification Criteria Version 2. Collection method: clinical testing. Allele origin: germline. Affected: yes. Observed: 1 variant allele.
Comment: CCBE1: BP4, BP7

NM_133459.4(CCBE1):c.39G>A (p.Arg13=)

Gene: CCBE1 (collagen and calcium binding EGF domains 1; minus strand). Cytogenetic location: 18q21.32.
Variant type: single nucleotide variant.
Coding change: c.39G>A on transcript NM_133459.4 (MANE Select); coding-DNA position 39, G replaced by A.
Protein change: p.Arg13=; no amino-acid change (arginine 13 retained).
Molecular consequence: synonymous variant.
Genome position (GRCh38, 1-based): chr18:59,697,304, C>T on the plus strand (G>A on the coding strand, the complement: CCBE1 is on the minus strand). VCF-style: chr18-59697304-C-T. GRCh37 (hg19) VCF-style: chr18-57364536-C-T.
Identifiers: ClinVar variation 4534707 (VCV004534707.6).